The following is an entry in ClinVar:

NM_033641.4(COL4A6):c.2566A>G (p.Ile856Val)

Gene: COL4A6 (collagen type IV alpha 6 chain; minus strand). Cytogenetic location: Xq22.3.
Variant type: single nucleotide variant.
Coding change: c.2566A>G on transcript NM_033641.4 (MANE Select); coding-DNA position 2566, A replaced by G.
Protein change: p.Ile856Val; replaces isoleucine 856 with valine.
Molecular consequence: missense variant.
Genome position (GRCh38, 1-based): chrX:108,176,961, T>C on the plus strand (A>G on the coding strand, the complement: COL4A6 is on the minus strand). VCF-style: chrX-108176961-T-C. GRCh37 (hg19) VCF-style: chrX-107420191-T-C.
Other names: c.2617A>G, p.Ile873Val (NM_001287758.2); c.2566A>G, p.Ile856Val (NM_001287759.2, NM_001287760.2, NM_001440760.1); c.2569A>G, p.Ile857Val (NM_001440759.1, NM_001847.4); short protein forms I856V, I857V, I873V.
Identifiers: ClinVar variation 4804492 (VCV004804492.1).

ClinVar aggregate classification (germline): Uncertain significance (1 of 4 stars; one submission).

gnomAD v4.1: 42 of 1,210,548 alleles (0.0035%); highest among the groups gnomAD compares: Non-Finnish European, 0.0044%; no homozygotes.

Submission:

Labcorp Genetics (formerly Invitae), Labcorp
Classification: Uncertain significance. Last evaluated: 2025-06-24. Review status: criteria provided, single submitter. Criteria: Invitae Variant Classification Sherloc (09022015). Collection method: clinical testing. Allele origin: germline.
Comment: This sequence change replaces isoleucine, which is neutral and non-polar, with valine, which is neutral and non-polar, at codon 857 of the COL4A6 protein (p.Ile857Val). This variant is present in population databases (rs146894882, gnomAD 0.008%). This variant has not been reported in the literature in individuals affected with COL4A6-related conditions. Invitae Evidence Modeling of protein sequence and biophysical properties (such as structural, functional, and spatial information, amino acid conservation, physicochemical variation, residue mobility, and thermodynamic stability) indicates that this missense variant is not expected to disrupt COL4A6 protein function with a negative predictive value of 80%. In summary, the available evidence is currently insufficient to determine the role of this variant in disease. Therefore, it has been classified as a Variant of Uncertain Significance.